The following is an entry in ClinVar:

NM_000875.5(IGF1R):c.3627C>T (p.Ala1209=)

Gene: IGF1R (insulin like growth factor 1 receptor; plus strand). Cytogenetic location: 15q26.3.
Variant type: single nucleotide variant.
Coding change: c.3627C>T on transcript NM_000875.5 (MANE Select); coding-DNA position 3627, C replaced by T.
Protein change: p.Ala1209=; no amino-acid change (alanine 1209 retained).
Molecular consequence: synonymous variant.
Genome position (GRCh38, 1-based): chr15:98,948,613, C>T. VCF-style: chr15-98948613-C-T. GRCh37 (hg19) VCF-style: chr15-99491842-C-T.
Other names: c.3624C>T, p.Ala1208= (NM_001291858.2).
Identifiers: ClinVar variation 1919303 (VCV001919303.6), dbSNP rs761178334, ClinGen allele CA492312692.
Genomic context (GRCh38, chr15:98,948,613, plus strand): 5'-ACAGTTTTTTTCTCCCTGTAGGTCCTTCGGGGTCGTCCTCTGGGAGATCGCCACACTGGC[C>T]GAGCAGCCCTACCAGGGCTTGTCCAACGAGCAAGTCCTTCGCTTCGTCATGGAGGGCGGC-3'
Protein context (NP_000866.1, residues 1199-1219): GVVLWEIATL[Ala1209=]EQPYQGLSNE

ClinVar aggregate classification (germline): Likely benign. Review status: criteria provided, multiple submitters, no conflicts (2 of 4 stars). 2 submissions from 2 submitters: Likely benign (2). Last evaluated 2026-09-01.

Allele frequency attached by ClinVar (database versions not stated): gnomAD 0.00002; TOPMed 0.00005.
gnomAD v4.1: 19 of 1,614,010 alleles (0.0012%); highest among the groups gnomAD compares: East Asian, 0.0045%; no homozygotes.

Submissions (2):

CeGaT Center for Human Genetics Tuebingen
Classification: Likely benign. Last evaluated: 2026-09-01. Review status: criteria provided, single submitter. Criteria: CeGaT Center For Human Genetics Tuebingen Variant Classification Criteria Version 2. Collection method: clinical testing. Allele origin: germline. Affected: yes. Observed: 1 variant allele.
Comment: IGF1R: BP4, BP7

Labcorp Genetics (formerly Invitae), Labcorp
Classification: Likely benign. Last evaluated: 2026-01-12. Review status: criteria provided, single submitter. Criteria: Invitae Variant Classification Sherloc (09022015). Collection method: clinical testing. Allele origin: germline.